The following is an entry in ClinVar:

NM_201253.3(CRB1):c.2195G>C (p.Ser732Thr)

Gene: CRB1 (crumbs cell polarity complex component 1; plus strand). Cytogenetic location: 1q31.3.
Variant type: single nucleotide variant.
Coding change: c.2195G>C on transcript NM_201253.3 (MANE Select); coding-DNA position 2195, G replaced by C.
Protein change: p.Ser732Thr; replaces serine 732 with threonine.
Molecular consequence: missense variant. On other transcripts: non-coding transcript variant (2), intron variant (1).
Genome position (GRCh38, 1-based): chr1:197,427,520, G>C. VCF-style: chr1-197427520-G-C. GRCh37 (hg19) VCF-style: chr1-197396650-G-C.
Other names: c.1859G>C, p.Ser620Thr (NM_001193640.2); c.1988G>C, p.Ser663Thr (NM_001257965.2); c.2128+5564G>C (NM_001257966.2); short protein forms S732T, S663T, S620T.
Identifiers: ClinVar variation 289846 (VCV000289846.8), dbSNP rs757381371, ClinGen allele CA1312070.

ClinVar aggregate classification (germline): Uncertain significance. Review status: criteria provided, multiple submitters, no conflicts (2 of 4 stars). 6 submissions from 4 submitters: Uncertain significance (6). Last evaluated 2023-04-11.

Conditions:
Leber congenital amaurosis 8 (LCA8). Identifiers: Orphanet 65, MedGen C3151202, MONDO:0013453, OMIM 613835.
Pigmented paravenous retinochoroidal atrophy. Identifiers: Orphanet 251295, MedGen C1868310, MONDO:0008246, OMIM 172870.
Retinitis pigmentosa 12 (RP12). Also called: RP WITH OR WITHOUT PPRPE; RP WITH OR WITHOUT PRESERVED PARAARTERIOLE RETINAL PIGMENT EPITHELIUM; RETINITIS PIGMENTOSA WITH OR WITHOUT PARAARTERIOLAR PRESERVATION OF RETINAL PIGMENT EPITHELIUM. Identifiers: Orphanet 791, MedGen C1838647, MONDO:0010818, OMIM 600105.

Allele frequency attached by ClinVar (database versions not stated): gnomAD 0.00001; TOPMed 0.00001; gnomAD exomes 0.00002 and 0.00004; ExAC 0.00005.
gnomAD v4.1: 12 of 1,613,686 alleles (0.00074%); highest among the groups gnomAD compares: Admixed American, 0.02%; no homozygotes.

Submissions (6):

Genome-Nilou Lab
Classification: Uncertain significance for Leber congenital amaurosis 8. Last evaluated: 2023-04-11. Review status: criteria provided, single submitter. Criteria: ACMG Guidelines, 2015. Collection method: clinical testing. Allele origin: germline. Affected: no.

Genome-Nilou Lab
Classification: Uncertain significance for Pigmented paravenous retinochoroidal atrophy. Last evaluated: 2023-04-11. Review status: criteria provided, single submitter. Criteria: ACMG Guidelines, 2015. Collection method: clinical testing. Allele origin: germline. Affected: no.

Genome-Nilou Lab
Classification: Uncertain significance for Retinitis pigmentosa 12. Last evaluated: 2023-04-11. Review status: criteria provided, single submitter. Criteria: ACMG Guidelines, 2015. Collection method: clinical testing. Allele origin: germline. Affected: no.

Labcorp Genetics (formerly Invitae), Labcorp
Classification: Uncertain significance for Leber congenital amaurosis 8; Retinitis pigmentosa 12. Last evaluated: 2022-07-12. Review status: criteria provided, single submitter. Criteria: Invitae Variant Classification Sherloc (09022015). Collection method: clinical testing. Allele origin: germline.
Comment: This sequence change replaces serine, which is neutral and polar, with threonine, which is neutral and polar, at codon 732 of the CRB1 protein (p.Ser732Thr). This variant is present in population databases (rs757381371, gnomAD 0.03%). This variant has not been reported in the literature in individuals affected with CRB1-related conditions. ClinVar contains an entry for this variant (Variation ID: 289846). Advanced modeling of protein sequence and biophysical properties (such as structural, functional, and spatial information, amino acid conservation, physicochemical variation, residue mobility, and thermodynamic stability) performed at Invitae indicates that this missense variant is not expected to disrupt CRB1 protein function. In summary, the available evidence is currently insufficient to determine the role of this variant in disease. Therefore, it has been classified as a Variant of Uncertain Significance.

Blueprint Genetics
Classification: Uncertain significance. Last evaluated: 2018-09-10. Review status: criteria provided, single submitter. Criteria: ACMG Guidelines, 2015. Collection method: clinical testing. Allele origin: germline.

Eurofins Ntd Llc (ga)
Classification: Uncertain significance. Last evaluated: 2016-08-31. Review status: criteria provided, single submitter. Criteria: EGL Classification Definitions 2015. Collection method: clinical testing. Allele origin: germline. Observed: 1 variant allele, 1 heterozygote.